The following is an entry in ClinVar:

NM_001009944.3(PKD1):c.11713-2A>T

Gene: PKD1 (polycystin 1, transient receptor potential channel interacting; minus strand). Cytogenetic location: 16p13.3.
Variant type: single nucleotide variant.
Coding change: c.11713-2A>T on transcript NM_001009944.3 (MANE Select); the canonical splice acceptor site of the intron before coding-DNA position 11713, A replaced by T.
Molecular consequence: splice acceptor variant.
Genome position (GRCh38, 1-based): chr16:2,091,176, T>A on the plus strand (A>T on the coding strand, the complement: PKD1 is on the minus strand). VCF-style: chr16-2091176-T-A. GRCh37 (hg19) VCF-style: chr16-2141177-T-A.
Other names: c.11710-2A>T (NM_000296.4); c.11713-2A>T (NM_001009944.2).
Identifiers: ClinVar variation 3578911 (VCV003578911.2).
Genomic context (GRCh38, chr16:2,091,176, plus strand): 5'-CTGTGCCAAGTACGGGCCTCGGCCACGGCGAAGTGCACGGCGAACAGCAGCAGGCACACC[T>A]GTGGGGGGCGCGGTCAGGAGGGCGGGAGGGACGCTGCCGGGGCGGGGCCCTGCGAGGGGG-3'

ClinVar aggregate classification (germline): Likely pathogenic. Review status: criteria provided, multiple submitters, no conflicts (2 of 4 stars). 2 submissions from 2 submitters: Likely pathogenic (2). Last evaluated 2024-12-19.

Conditions:
PKD1-related disorder. Also called: PKD1-related condition.
Polycystic kidney disease, adult type (PKD1). Also called: Polycystic Kidney Disease 1, Autosomal Dominant; Polycystic kidney disease 1; Polycystic kidney disease 1, severe; Polycystic Kidney, Autosomal Dominant; POLYCYSTIC KIDNEY DISEASE, ADULT, TYPE I; POLYCYSTIC KIDNEY DISEASE 1 WITH OR WITHOUT POLYCYSTIC LIVER DISEASE. Identifiers: MedGen C3149841, MONDO:0008263, OMIM 173900.

Submissions (2):

PreventionGenetics, part of Exact Sciences
Classification: Likely pathogenic for PKD1-related condition. Last evaluated: 2024-12-19. Review status: criteria provided, single submitter. Criteria: ACMG Guidelines, 2015. Collection method: clinical testing. Allele origin: germline.
Comment: The PKD1 c.11713-2A>T variant is predicted to disrupt the AG splice acceptor site and interfere with normal splicing. This variant was reported with two PKD2 variants in an infant with very early onset polycystic kidney disease; and this variant was inherited from the affected mother (Durkie et al. 2021. PubMed ID: 33168999). This variant has not been reported in a large population database (gnomAD), indicating this variant is rare. Variants that disrupt the consensus splice acceptor site in PKD1 are expected to be pathogenic. This variant is interpreted as likely pathogenic.

Fulgent Genetics
Classification: Likely pathogenic for Polycystic kidney disease, adult type. Last evaluated: 2024-06-04. Review status: criteria provided, single submitter. Criteria: ACMG Guidelines, 2015. Collection method: clinical testing. Allele origin: germline.